The following is an entry in ClinVar:

NM_000535.7(PMS2):c.1775A>G (p.Gln592Arg)

Gene: PMS2 (PMS1 homolog 2, mismatch repair system component; minus strand). Cytogenetic location: 7p22.1.
Variant type: single nucleotide variant.
Coding change: c.1775A>G on transcript NM_000535.7 (MANE Select); coding-DNA position 1775, A replaced by G.
Protein change: p.Gln592Arg; replaces glutamine 592 with arginine.
Molecular consequence: missense variant. On other transcripts: non-coding transcript variant (1).
Genome position (GRCh38, 1-based): chr7:5,986,990, T>C on the plus strand (A>G on the coding strand, the complement: PMS2 is on the minus strand). VCF-style: chr7-5986990-T-C. GRCh37 (hg19) VCF-style: chr7-6026621-T-C.
Other names: c.1370A>G, p.Gln457Arg (NM_001018040.1, NM_001322003.2, NM_001322004.2 and 17 more transcripts); c.1619A>G, p.Gln540Arg (NM_001322006.2, NM_001406870.1); c.1457A>G, p.Gln486Arg (NM_001322007.2, NM_001322008.2, NM_001406876.1 and 2 more transcripts); c.1214A>G, p.Gln405Arg (NM_001322010.2, NM_001406906.1, NM_001406907.1); c.842A>G, p.Gln281Arg (NM_001322011.2, NM_001322012.2); c.1202A>G, p.Gln401Arg (NM_001322013.2, NM_001406909.1); c.1775A>G, p.Gln592Arg (NM_001322014.2, NM_001406871.1, NM_001406872.1); c.1466A>G, p.Gln489Arg (NM_001322015.2, NM_001406875.1, NM_001406877.1 and 5 more transcripts); and 12 more; short protein forms Q281R, Q457R, Q484R, Q486R, Q489R, Q540R, Q434R, Q480R.
Identifiers: ClinVar variation 2178273 (VCV002178273.7), dbSNP rs2128723677, ClinGen allele CA366739918.
Genomic context (GRCh38, chr7:5,986,990, plus strand): 5'-TTAATTTTCACAGCTACATCAACCTGAGAGGCTGACATGTCCTGAGTATTTACTAACTTT[T>C]GACAAATGTCAGAACTGGAAAGAATTTCTTCTTTTTTAAAACGCTTTGTGTTTGGGGTTG-3'
Protein context (NP_000526.2, residues 582-602): EEILSSSDIC[Gln592Arg]KLVNTQDMSA

ClinVar aggregate classification (germline): Conflicting classifications of pathogenicity. Review status: criteria provided, conflicting classifications (1 of 4 stars). 3 submissions from 3 submitters: Uncertain significance (2); Likely benign (1). Last evaluated 2026-08-17.

Conditions:
Lynch syndrome 4 (LYNCH4). Also called: Hereditary non-polyposis colorectal cancer, type 4; Colorectal cancer, hereditary nonpolyposis, type 4. Identifiers: Orphanet 144, MedGen C1838333, MONDO:0013699, OMIM 614337. Disease mechanism: loss of function.
Mismatch repair cancer syndrome 4. Identifiers: MedGen C5436817, MONDO:0030843, OMIM 619101.
Hereditary nonpolyposis colorectal neoplasms. Identifiers: MedGen C0009405, MeSH D003123.
Hereditary cancer-predisposing syndrome. Also called: Tumor predisposition; Hereditary Cancer Syndrome; Hereditary neoplastic syndrome; Neoplastic Syndromes, Hereditary. Identifiers: Orphanet 140162, MedGen C0027672, MeSH D009386, MONDO:0015356.

Allele frequency attached by ClinVar (database versions not stated): gnomAD exomes below 0.00001.
gnomAD v4.1: 1 of 1,614,226 alleles (0.000062%); highest among the groups gnomAD compares: South Asian, 0.0011%; no homozygotes.

Submissions (3):

Ambry Genetics
Classification: Likely benign for Hereditary cancer-predisposing syndrome. Last evaluated: 2026-08-17. Review status: criteria provided, single submitter. Criteria: Ambry Variant Classification Scheme 2023. Collection method: clinical testing. Allele origin: germline.

Labcorp Genetics (formerly Invitae), Labcorp
Classification: Uncertain significance for Hereditary nonpolyposis colorectal neoplasms. Last evaluated: 2025-08-18. Review status: criteria provided, single submitter. Criteria: Invitae Variant Classification Sherloc (09022015). Collection method: clinical testing. Allele origin: germline.
Comment: This sequence change replaces glutamine, which is neutral and polar, with arginine, which is basic and polar, at codon 592 of the PMS2 protein (p.Gln592Arg). This variant is not present in population databases (gnomAD no frequency). This variant has not been reported in the literature in individuals affected with PMS2-related conditions. ClinVar contains an entry for this variant (Variation ID: 2178273). Invitae Evidence Modeling of protein sequence and biophysical properties (such as structural, functional, and spatial information, amino acid conservation, physicochemical variation, residue mobility, and thermodynamic stability) indicates that this missense variant is not expected to disrupt PMS2 protein function with a negative predictive value of 80%. In summary, the available evidence is currently insufficient to determine the role of this variant in disease. Therefore, it has been classified as a Variant of Uncertain Significance.

Fulgent Genetics
Classification: Uncertain significance for Lynch syndrome 4; Mismatch repair cancer syndrome 4. Last evaluated: 2024-05-30. Review status: criteria provided, single submitter. Criteria: ACMG Guidelines, 2015. Collection method: clinical testing. Allele origin: germline.